The following is an entry in ClinVar:

NM_002485.5(NBN):c.644_702+27dup

Gene: NBN (nibrin; minus strand). Cytogenetic location: 8q21.3.
Variant type: Duplication.
Coding change: c.644_702+27dup on transcript NM_002485.5 (MANE Select); coding-DNA position 644 through 27 bases into the intron after coding-DNA position 702, 86 bases duplicated.
Molecular consequence: splice donor variant.
Genome position (GRCh38, 1-based): chr8:89,971,146-89,971,231, 86 bases duplicated. GRCh37 (hg19): chr8:90,983,375-90,983,460.
Other names: c.398_456+27dup (NM_001024688.3).
Identifiers: ClinVar variation 2566727 (VCV002566727.2), dbSNP rs2488314853, ClinGen allele CA2580617192.

ClinVar aggregate classification (germline): Uncertain significance (1 of 4 stars; one submission).

Conditions:
Hereditary cancer-predisposing syndrome. Also called: Hereditary neoplastic syndrome; Hereditary Cancer Syndrome; Neoplastic Syndromes, Hereditary; Tumor predisposition. Identifiers: Orphanet 140162, MedGen C0027672, MeSH D009386, MONDO:0015356.

Submission:

Ambry Genetics
Classification: Uncertain significance for Hereditary cancer-predisposing syndrome. Last evaluated: 2023-04-10. Review status: criteria provided, single submitter. Criteria: Ambry Variant Classification Scheme 2023. Collection method: clinical testing. Allele origin: germline.
Comment: The c.644_702+27dup86 intronic variant begins at c.644 in coding exon 6 in the NBN gene. This variant results from a duplication of 86 nucleotides at positions c.644 to c.702+27. This nucleotide region is not well conserved in available vertebrate species. In silico splice site analysis predicts that this alteration will result in the creation or strengthening of a novel splice donor site. Since supporting evidence is limited at this time, the clinical significance of this alteration remains unclear.